The following is an entry in ClinVar:

ClinVar aggregate classification (germline): Benign/Likely benign. Review status: criteria provided, multiple submitters, no conflicts (2 of 4 stars). 8 submissions from 8 submitters: Benign (4); Likely benign (4). Last evaluated 2026-01-12.

Conditions:
Inborn genetic diseases. Identifiers: MedGen C0950123, MeSH D030342.
Acute myeloid leukemia (AML). Also called: Leukemia, acute myeloid, somatic; Leukemia, acute myelogenous, somatic; Acute myeloid leukemia, adult; AML adult; Acute non-lymphocytic leukemia; Acute granulocytic leukemia. Identifiers: Orphanet 519, MedGen C0023467, MeSH D015470, MONDO:0018874, OMIM 601626, HP:0004808. Disease mechanism: Constitutively activated FLT3.

Allele frequency attached by ClinVar (database versions not stated): gnomAD exomes 0.00133; ExAC 0.00575; 1000 Genomes Project 0.00639; 1000 Genomes Project 30x 0.00640; TOPMed 0.00752; gnomAD 0.00808.

Submissions (8):

Labcorp Genetics (formerly Invitae), Labcorp
Classification: Benign for Acute myeloid leukemia. Last evaluated: 2026-01-12. Review status: criteria provided, single submitter. Criteria: Invitae Variant Classification Sherloc (09022015). Collection method: clinical testing. Allele origin: germline.

Mayo Clinic Laboratories, Mayo Clinic
Classification: Benign. Last evaluated: 2025-09-22. Review status: criteria provided, single submitter. Criteria: ACMG Guidelines, 2015. Collection method: clinical testing. Allele origin: germline. Observed: 1 variant allele.
Comment: BS1, BP4, BP7

Blueprint Genetics
Classification: Likely benign. Last evaluated: 2024-11-25. Review status: criteria provided, single submitter. Criteria: ACMG Guidelines, 2015. Collection method: clinical testing. Allele origin: germline.

Ambry Genetics
Classification: Likely benign for Inborn genetic diseases. Last evaluated: 2024-10-02. Review status: criteria provided, single submitter. Criteria: Ambry Variant Classification Scheme 2023. Collection method: clinical testing. Allele origin: germline.

ARUP Laboratories, Molecular Genetics and Genomics, ARUP Laboratories
Classification: Benign. Last evaluated: 2024-02-22. Review status: criteria provided, single submitter. Criteria: ARUP Molecular Germline Variant Investigation Process 2024. Collection method: clinical testing. Allele origin: germline.

GeneDx
Classification: Likely benign. Last evaluated: 2020-12-14. Review status: criteria provided, single submitter. Criteria: GeneDx Variant Classification Process June 2021. Collection method: clinical testing. Allele origin: germline. Affected: yes.

Genetic Services Laboratory, University of Chicago
Classification: Benign. Last evaluated: 2018-11-15. Review status: criteria provided, single submitter. Criteria: ACMG Guidelines, 2015. Collection method: clinical testing. Allele origin: germline. Affected: no.

Breakthrough Genomics
Classification: Likely benign. Review status: criteria provided, single submitter. Criteria: ACMG Guidelines, 2015. Collection method: not provided. Allele origin: germline. Inheritance: Autosomal dominant inheritance. Affected: yes.

NM_004364.5(CEBPA):c.693C>G (p.Pro231=)

Gene: CEBPA (CCAAT enhancer binding protein alpha; minus strand). Cytogenetic location: 19q13.11.
Variant type: single nucleotide variant.
Coding change: c.693C>G on transcript NM_004364.5 (MANE Select); coding-DNA position 693, C replaced by G.
Protein change: p.Pro231=; no amino-acid change (proline 231 retained).
Molecular consequence: synonymous variant.
Genome position (GRCh38, 1-based): chr19:33,301,722, G>C on the plus strand (C>G on the coding strand, the complement: CEBPA is on the minus strand). VCF-style: chr19-33301722-G-C. GRCh37 (hg19) VCF-style: chr19-33792628-G-C.
Other names: p.Pro231=; c.336C>G, p.Pro112= (NM_001285829.2); c.798C>G, p.Pro266= (NM_001287424.2); c.651C>G, p.Pro217= (NM_001287435.2).
Identifiers: ClinVar variation 415195 (VCV000415195.26), dbSNP rs550308123, ClinGen allele CA9363700.